The following is an entry in ClinVar:

ClinVar aggregate classification (germline): Conflicting classifications of pathogenicity. Review status: criteria provided, conflicting classifications (1 of 4 stars). 2 submissions from 2 submitters: Uncertain significance (1); Likely benign (1). Last evaluated 2026-01-13.

Conditions:
COL6A3-related disorder. Also called: COL6A3-related disorders; COL6A3-related condition.
Bethlem myopathy 1A. Also called: Bethlem myopathy 1; Bethlem Muscular Dystrophy; MYOPATHY, BENIGN CONGENITAL, WITH CONTRACTURES. Identifiers: Orphanet 610, MedGen CN029274, MONDO:0024530, OMIM 158810.

Allele frequency attached by ClinVar (database versions not stated): gnomAD exomes 0.00001 and below 0.00001; gnomAD 0.00003; ExAC 0.00001.
gnomAD v4.1: 1 of 1,614,116 alleles (0.000062%); highest among the groups gnomAD compares: East Asian, 0.0022%; no homozygotes.

Submissions (2):

PreventionGenetics, part of Exact Sciences
Classification: Uncertain significance for COL6A3-related condition. Last evaluated: 2026-01-13. Review status: criteria provided, single submitter. Criteria: ACMG Guidelines, 2015. Collection method: clinical testing. Allele origin: germline.
Comment: The COL6A3 c.4007T>C variant is predicted to result in the amino acid substitution p.Val1336Ala. To our knowledge, this variant has not been reported in the literature. This variant is reported in 0.015% of alleles in individuals of East Asian descent in gnomAD. At this time, the clinical significance of this variant is uncertain due to the absence of conclusive functional and genetic evidence.

Labcorp Genetics (formerly Invitae), Labcorp
Classification: Likely benign for Bethlem myopathy 1A. Last evaluated: 2022-11-22. Review status: criteria provided, single submitter. Criteria: Invitae Variant Classification Sherloc (09022015). Collection method: clinical testing. Allele origin: germline.

NM_004369.4(COL6A3):c.4007T>C (p.Val1336Ala)

Gene: COL6A3 (collagen type VI alpha 3 chain; minus strand). Cytogenetic location: 2q37.3.
Variant type: single nucleotide variant.
Coding change: c.4007T>C on transcript NM_004369.4 (MANE Select); coding-DNA position 4007, T replaced by C.
Protein change: p.Val1336Ala; replaces valine 1336 with alanine.
Molecular consequence: missense variant.
Genome position (GRCh38, 1-based): chr2:237,372,010, A>G on the plus strand (T>C on the coding strand, the complement: COL6A3 is on the minus strand). VCF-style: chr2-237372010-A-G. GRCh37 (hg19) VCF-style: chr2-238280653-A-G.
Other names: c.2786T>C, p.Val929Ala (NM_057164.5); c.3389T>C, p.Val1130Ala (NM_057165.5, NM_057167.4); c.2186T>C, p.Val729Ala (NM_057166.5); short protein forms V1336A, V929A, V1130A, V729A.
Identifiers: ClinVar variation 662600 (VCV000662600.10), dbSNP rs760059705, ClinGen allele CA2189021.
Genomic context (GRCh38, chr2:237,372,010, plus strand): 5'-GCCGGGTCGTCCACCTCATCGTCAGACTTTCCAGACGAGATGAGGACCAGGAACTGCGGG[A>G]CGCCCTCTTCAATGCGGCTCCCCAGGGGCCTCTTGAAGATGTTCCTGGACACGTACTCCA-3'
Protein context (NP_004360.2, residues 1326-1346): RPLGSRIEEG[Val1336Ala]PQFLVLISSG